The following is an entry in ClinVar:

NM_144670.6(A2ML1):c.3112A>G (p.Thr1038Ala)

Gene: A2ML1 (alpha-2-macroglobulin like 1; plus strand). Cytogenetic location: 12p13.31.
Variant type: single nucleotide variant.
Coding change: c.3112A>G on transcript NM_144670.6 (MANE Select); coding-DNA position 3112, A replaced by G.
Protein change: p.Thr1038Ala; replaces threonine 1038 with alanine.
Molecular consequence: missense variant.
Genome position (GRCh38, 1-based): chr12:8,857,950, A>G. VCF-style: chr12-8857950-A-G. GRCh37 (hg19) VCF-style: chr12-9010546-A-G.
Other names: c.1639A>G, p.Thr547Ala (NM_001282424.3); short protein forms T1038A, T547A.
Identifiers: ClinVar variation 4250766 (VCV004250766.1).

ClinVar aggregate classification (germline): Uncertain significance (1 of 4 stars; one submission).

gnomAD v4.1: 1 of 1,614,076 alleles (0.000062%); highest among the groups gnomAD compares: South Asian, 0.0011%; no homozygotes.

Submission:

Ambry Genetics
Classification: Uncertain significance. Last evaluated: 2025-06-23. Review status: criteria provided, single submitter. Criteria: Ambry Variant Classification Scheme 2023. Collection method: clinical testing. Allele origin: germline.
Comment: The p.T1038A variant (also known as c.3112A>G), located in coding exon 26 of the A2ML1 gene, results from an A to G substitution at nucleotide position 3112. The threonine at codon 1038 is replaced by alanine, an amino acid with similar properties. This amino acid position is conserved. In addition, the in silico prediction for this alteration is inconclusive. Based on the available evidence, the clinical significance of this variant remains unclear.